The following is an entry in ClinVar:

NM_004168.4(SDHA):c.969C>T (p.Gly323=)

Gene: SDHA (succinate dehydrogenase complex flavoprotein subunit A; plus strand). Cytogenetic location: 5p15.33.
Variant type: single nucleotide variant.
Coding change: c.969C>T on transcript NM_004168.4 (MANE Select); coding-DNA position 969, C replaced by T.
Protein change: p.Gly323=; no amino-acid change (glycine 323 retained).
Molecular consequence: synonymous variant.
Genome position (GRCh38, 1-based): chr5:233,550, C>T. VCF-style: chr5-233550-C-T. GRCh37 (hg19) VCF-style: chr5-233665-C-T.
Other names: p.Gly323=; c.825C>T, p.Gly275= (NM_001294332.2); c.969C>T, p.Gly323= (NM_001330758.2).
Identifiers: ClinVar variation 141242 (VCV000141242.65), dbSNP rs142849100, ClinGen allele CA345710.

ClinVar aggregate classification (germline): Conflicting classifications of pathogenicity. Review status: criteria provided, conflicting classifications (1 of 4 stars). 19 submissions from 17 submitters: Uncertain significance (1); Benign (13); Likely benign (2). 3 of the submissions do not count toward it. Last evaluated 2026-09-01.

Conditions:
Mitochondrial complex II deficiency, nuclear type 1. Also called: SUCCINATE CoQ REDUCTASE DEFICIENCY. Identifiers: Orphanet 3208, MedGen C5700310, MONDO:0100294, OMIM 252011.
Pheochromocytoma/paraganglioma syndrome 5. Also called: Paragangliomas 5; SDHA-Related Hereditary Paraganglioma-Pheochromocytoma Syndrome. Identifiers: Orphanet 29072, MedGen C3279992, MONDO:0013602, OMIM 614165.
Hereditary cancer-predisposing syndrome. Also called: Neoplastic Syndromes, Hereditary; Tumor predisposition; Hereditary neoplastic syndrome; Hereditary Cancer Syndrome. Identifiers: Orphanet 140162, MedGen C0027672, MeSH D009386, MONDO:0015356.
Hereditary pheochromocytoma and paraganglioma. Also called: Hereditary pheochromocytoma-paraganglioma; Hereditary Paraganglioma-Pheochromocytoma Syndromes; Hereditary paragangliomas and pheochromocytomas. Identifiers: Orphanet 29072, MedGen C4274332, MONDO:0017366.
Leigh syndrome (NULS). Also called: Leigh Syndrome (mtDNA deletion); Leigh's syndrome; Leigh's necrotizing encephalopathy; Leigh's disease; Leigh Disease; Subacute necrotizing encephalopathy. Identifiers: Orphanet 506, MedGen C2931891, MONDO:0009723, OMIM 256000.

Allele frequency attached by ClinVar (database versions not stated): 1000 Genomes Project 0.00399; gnomAD 0.00430; TOPMed 0.00430; 1000 Genomes Project 30x 0.00484; ESP Exome Variant Server 0.00507.
gnomAD v4.1: 11,019 of 1,614,066 alleles (0.68%); highest among the groups gnomAD compares: South Asian, 2.2%; 87 homozygotes.

Submissions (21):

CeGaT Center for Human Genetics Tuebingen
Classification: Benign. Last evaluated: 2026-09-01. Review status: criteria provided, single submitter. Criteria: CeGaT Center For Human Genetics Tuebingen Variant Classification Criteria Version 2. Collection method: clinical testing. Allele origin: germline. Affected: yes. Observed: 74 variant alleles.
Comment: SDHA: BP4, BP7, BS1, BS2

Labcorp Genetics (formerly Invitae), Labcorp
Classification: Benign for Pheochromocytoma/paraganglioma syndrome 5; Mitochondrial complex II deficiency, nuclear type 1. Last evaluated: 2026-02-03. Review status: criteria provided, single submitter. Criteria: Invitae Variant Classification Sherloc (09022015). Collection method: clinical testing. Allele origin: germline.

Quest Diagnostics Nichols Institute San Juan Capistrano
Classification: Benign. Last evaluated: 2025-07-24. Review status: criteria provided, single submitter. Criteria: Quest Diagnostics criteria. Collection method: clinical testing. Allele origin: unknown.

Center for Genomic Medicine, Rigshospitalet, Copenhagen University Hospital
Classification: Benign. Last evaluated: 2025-03-04. Review status: criteria provided, single submitter. Criteria: ACMG Guidelines, 2015. Collection method: clinical testing. Allele origin: germline.

Myriad Genetics, Inc.
Classification: Benign for Pheochromocytoma/paraganglioma syndrome 5. Last evaluated: 2025-03-04. Review status: criteria provided, single submitter. Criteria: Myriad Autosomal Dominant, Autosomal Recessive and X-Linked Classification Criteria (2023). Collection method: clinical testing. Allele origin: unknown.
Comment: This variant is considered benign. This variant is a silent/synonymous amino acid change and it is not expected to impact splicing.

ARUP Laboratories, Molecular Genetics and Genomics, ARUP Laboratories
Classification: Benign. Last evaluated: 2024-11-20. Review status: criteria provided, single submitter. Criteria: ARUP Molecular Germline Variant Investigation Process 2024. Collection method: clinical testing. Allele origin: germline.

Mayo Clinic Laboratories, Mayo Clinic
Classification: Likely benign. Last evaluated: 2024-11-19. Review status: criteria provided, single submitter. Criteria: ACMG Guidelines, 2015. Collection method: clinical testing. Allele origin: germline. Observed: 21 variant alleles.
Comment: BS1, BP4, BP7

KCCC/NGS Laboratory, Kuwait Cancer Control Center
Classification: Benign for Pheochromocytoma/paraganglioma syndrome 5. Last evaluated: 2023-07-07. Review status: criteria provided, single submitter. Criteria: ACMG Guidelines, 2015. Collection method: clinical testing. Allele origin: germline. Affected: yes.

Genetic Services Laboratory, University of Chicago
Classification: Benign. Last evaluated: 2021-03-30. Review status: criteria provided, single submitter. Criteria: ACMG Guidelines, 2015. Collection method: clinical testing. Allele origin: germline. Affected: no.

Sema4
Classification: Benign for Hereditary cancer-predisposing syndrome. Last evaluated: 2020-08-27. Review status: criteria provided, single submitter. Criteria: Sema4 Curation Guidelines. Collection method: curation. Allele origin: germline.

Illumina Laboratory Services, Illumina
Classification: Likely benign for Leigh syndrome. Last evaluated: 2018-01-13. Review status: criteria provided, single submitter. Criteria: ICSL Variant Classification Criteria 13 December 2019. Collection method: clinical testing. Allele origin: germline.
Comment: This variant was observed in the ICSL laboratory as part of a predisposition screen in an ostensibly healthy population. It had not been previously curated by ICSL or reported in the Human Gene Mutation Database (HGMD: prior to June 1st, 2018), and was therefore a candidate for classification through an automated scoring system. Utilizing variant allele frequency, disease prevalence and penetrance estimates, and inheritance mode, an automated score was calculated to assess if this variant is too frequent to cause the disease. Based on the score and internal cut-off values, a variant classified as likely benign is not then subjected to further curation. The score for this variant resulted in a classification of likely benign for this disease.

Illumina Laboratory Services, Illumina
Classification: Benign for Hereditary Paraganglioma-Pheochromocytoma Syndromes. Last evaluated: 2018-01-13. Review status: criteria provided, single submitter. Criteria: ICSL Variant Classification Criteria 13 December 2019. Collection method: clinical testing. Allele origin: germline.
Comment: This variant was observed in the ICSL laboratory as part of a predisposition screen in an ostensibly healthy population. It had not been previously curated by ICSL or reported in the Human Gene Mutation Database (HGMD: prior to June 1st, 2018), and was therefore a candidate for classification through an automated scoring system. Utilizing variant allele frequency, disease prevalence and penetrance estimates, and inheritance mode, an automated score was calculated to assess if this variant is too frequent to cause the disease. Based on the score and internal cut-off values, a variant classified as benign is not then subjected to further curation. The score for this variant resulted in a classification of benign for this disease.

Illumina Laboratory Services, Illumina
Classification: Uncertain significance for Mitochondrial complex II deficiency, nuclear type 1. Last evaluated: 2018-01-13. Review status: criteria provided, single submitter. Criteria: ICSL Variant Classification Criteria 13 December 2019. Collection method: clinical testing. Allele origin: germline.

GeneDx
Classification: Benign. Last evaluated: 2016-03-08. Review status: criteria provided, single submitter. Criteria: GeneDx Variant Classification (06012015). Collection method: clinical testing. Allele origin: germline. Affected: yes.
Comment: This variant is considered likely benign or benign based on one or more of the following criteria: it is a conservative change, it occurs at a poorly conserved position in the protein, it is predicted to be benign by multiple in silico algorithms, and/or has population frequency not consistent with disease.

Ambry Genetics
Classification: Benign for Hereditary cancer-predisposing syndrome. Last evaluated: 2014-11-21. Review status: criteria provided, single submitter. Criteria: Ambry Variant Classification Scheme 2023. Collection method: clinical testing. Allele origin: germline.

PreventionGenetics, part of Exact Sciences
Classification: Benign. Review status: criteria provided, single submitter. Criteria: ACMG Guidelines, 2015. Collection method: clinical testing. Allele origin: germline.

Department of Pathology and Laboratory Medicine, Sinai Health System
Classification: Likely benign. Review status: no assertion criteria provided. Collection method: clinical testing. Allele origin: unknown. Affected: yes. Study: The Canadian Open Genetics Repository (COGR). Not counted in ClinVar's aggregate classification.
Comment: The SDHA p.Gly275Gly variant was not identified in the literature nor was it identified in the Cosmic, MutDB or LOVD 3.0 databases. The variant was identified in dbSNP (ID: rs142849100) as "With Likely benign allele". The variant was identified in ClinVar, classified as benign and likely benign. There are 7 submissions for this variant in ClinVar: 3 submissions of benign (Ambry Genetics, Invitae, and Prevention Genetics) and 4 submissions of likely benign (3 from Illumina and 1 from GeneDx). The variant was also identified in Clinvitae with one submission from Invitae of likely benign. The variant was identified in control databases in 1956 of 282892 chromosomes (23 homozygous) at a frequency of 0.006914 increasing the likelihood this could be a low frequency benign variant (Genome Aggregation Database Feb 27, 2017). The variant was observed in the following populations: Ashkenazi Jewish in 246 of 10370 chromosomes (freq: 0.02372), South Asian in 706 of 30616 chromosomes (freq: 0.02306), Other in 68 of 7228 chromosomes (freq: 0.009408), European (non-Finnish) in 782 of 129192 chromosomes (freq: 0.006053), Latino in 82 of 35440 chromosomes (freq: 0.002314), European (Finnish) in 44 of 25122 chromosomes (freq: 0.001751), African in 27 of 24970 chromosomes (freq: 0.001081) and East Asian in 1 of 19954 chromosomes (freq: 0.00005). The p.(Gly275Gly) variant is not expected to have clinical significance because it does not result in a change of amino acid and is not located in a known consensus splice site, however 4 of 4 in silico or computational prediction software programs (SpliceSiteFinder, MaxEntScan, NNSPLICE, GeneSplicer) predict a greater than 10% difference in splicing and the creation of a new 5' splice site. Computational evidence is only available from MutationTaster, and the variant is predicted to be disease causing. The Gly275 residue is conserved across mammals and other organisms. However, this information is not predictive enough to assume pathogenicity. In summary, based on the above information the clinical significance of this variant cannot be determined with certainty at this time although we would lean towards a more benign role for this variant. This variant is classified as likely benign.

Dr. Peter K. Rogan Lab, Western University
No classification provided (evidence only). Condition: Ovarian serous cystadenocarcinoma. Review status: no classification provided. Collection method: in vitro. Allele origin: not applicable. Functional consequence: retained intron. Not counted in ClinVar's aggregate classification.

Dr. Peter K. Rogan Lab, Western University
No classification provided (evidence only). Condition: Gastric cancer. Review status: no classification provided. Collection method: in vitro. Allele origin: not applicable. Functional consequence: retained intron. Not counted in ClinVar's aggregate classification.

Genome Diagnostics Laboratory, Amsterdam University Medical Center
Classification: Benign. Review status: no assertion criteria provided. Collection method: clinical testing. Allele origin: germline. Affected: yes. Study: VKGL Data-share Consensus. Not counted in ClinVar's aggregate classification.

Joint Genome Diagnostic Labs from Nijmegen and Maastricht, Radboudumc and MUMC+
Classification: Likely benign. Review status: no assertion criteria provided. Collection method: clinical testing. Allele origin: germline. Affected: yes. Study: VKGL Data-share Consensus. Not counted in ClinVar's aggregate classification.

Literature cited by the submitters: PubMed 25494863 (cited by Quest Diagnostics Nichols Institute San Juan Capistrano).